The following is an entry in ClinVar:

ClinVar aggregate classification (germline): Uncertain significance. Review status: criteria provided, multiple submitters, no conflicts (2 of 4 stars). 2 submissions from 2 submitters: Uncertain significance (2). Last evaluated 2025-01-12.

Conditions:
Joubert syndrome 20 (JBTS20). Identifiers: Orphanet 475, MedGen C3554235, MONDO:0013994, OMIM 614970.
Meckel syndrome, type 11 (MKS11). Identifiers: Orphanet 564, MedGen C3809352, MONDO:0014164, OMIM 615397.

gnomAD v4.1: 7 of 1,392,748 alleles (0.0005%); highest among the groups gnomAD compares: East Asian, 0.012%; no homozygotes.

Submissions (2):

Labcorp Genetics (formerly Invitae), Labcorp
Classification: Uncertain significance for Joubert syndrome 20; Meckel syndrome, type 11. Last evaluated: 2025-01-12. Review status: criteria provided, single submitter. Criteria: Invitae Variant Classification Sherloc (09022015). Collection method: clinical testing. Allele origin: germline.
Comment: This sequence change replaces alanine, which is neutral and non-polar, with serine, which is neutral and polar, at codon 16 of the TMEM231 protein (p.Ala16Ser). This variant is present in population databases (no rsID available, gnomAD 0.05%). This variant has not been reported in the literature in individuals affected with TMEM231-related conditions. ClinVar contains an entry for this variant (Variation ID: 1429854). Experimental studies and prediction algorithms are not available or were not evaluated, and the functional significance of this variant is currently unknown. In summary, the available evidence is currently insufficient to determine the role of this variant in disease. Therefore, it has been classified as a Variant of Uncertain Significance.

Fulgent Genetics
Classification: Uncertain significance for Joubert syndrome 20; Meckel syndrome, type 11. Last evaluated: 2024-01-30. Review status: criteria provided, single submitter. Criteria: ACMG Guidelines, 2015. Collection method: clinical testing. Allele origin: germline.

NM_001077418.3(TMEM231):c.-17G>T

Gene: TMEM231 (transmembrane protein 231; minus strand). Cytogenetic location: 16q23.1.
Variant type: single nucleotide variant.
Coding change: c.-17G>T on transcript NM_001077418.3 (MANE Select); 17 bases upstream of the start codon, G replaced by T.
Molecular consequence: 5 prime UTR variant. On other transcripts: missense variant (1), non-coding transcript variant (1).
Genome position (GRCh38, 1-based): chr16:75,556,226, C>A on the plus strand (G>T on the coding strand, the complement: TMEM231 is on the minus strand). VCF-style: chr16-75556226-C-A. GRCh37 (hg19) VCF-style: chr16-75590124-C-A.
Other names: c.46G>T, p.Ala16Ser (NM_001077416.2); short protein forms A16S.
Identifiers: ClinVar variation 1429854 (VCV001429854.7), dbSNP rs768513169, ClinGen allele CA623362366.